The following is an entry in ClinVar:

NM_025099.6(CTC1):c.1646T>C (p.Phe549Ser)

Gene: CTC1 (CST telomere replication complex component 1; minus strand). Cytogenetic location: 17p13.1.
Variant type: single nucleotide variant.
Coding change: c.1646T>C on transcript NM_025099.6 (MANE Select); coding-DNA position 1646, T replaced by C.
Protein change: p.Phe549Ser; replaces phenylalanine 549 with serine.
Molecular consequence: missense variant. On other transcripts: non-coding transcript variant (1).
Genome position (GRCh38, 1-based): chr17:8,234,627, A>G on the plus strand (T>C on the coding strand, the complement: CTC1 is on the minus strand). VCF-style: chr17-8234627-A-G. GRCh37 (hg19) VCF-style: chr17-8137945-A-G.
Other names: short protein forms F549S.
Identifiers: ClinVar variation 1691959 (VCV001691959.3), dbSNP rs1019443155, ClinGen allele CA287535744.

ClinVar aggregate classification (germline): Uncertain significance. Review status: criteria provided, multiple submitters, no conflicts (2 of 4 stars). 2 submissions from 2 submitters: Uncertain significance (2). Last evaluated 2021-12-17.

Conditions:
Dyskeratosis congenita. Identifiers: Orphanet 1775, MedGen C0265965, MONDO:0015780.

Allele frequency attached by ClinVar (database versions not stated): gnomAD exomes below 0.00001 and 0.00001; gnomAD 0.00001; TOPMed 0.00002.
gnomAD v4.1: 10 of 1,612,780 alleles (0.00062%); highest among the groups gnomAD compares: Non-Finnish European, 0.00076%; no homozygotes.

Submissions (2):

Labcorp Genetics (formerly Invitae), Labcorp
Classification: Uncertain significance for Dyskeratosis congenita. Last evaluated: 2021-12-17. Review status: criteria provided, single submitter. Criteria: Invitae Variant Classification Sherloc (09022015). Collection method: clinical testing. Allele origin: germline.
Comment: This sequence change replaces phenylalanine, which is neutral and non-polar, with serine, which is neutral and polar, at codon 549 of the CTC1 protein (p.Phe549Ser). This variant is present in population databases (no rsID available, gnomAD 0.0009%). This variant has not been reported in the literature in individuals affected with CTC1-related conditions. Algorithms developed to predict the effect of missense changes on protein structure and function are either unavailable or do not agree on the potential impact of this missense change (SIFT: "Deleterious"; PolyPhen-2: "Probably Damaging"; Align-GVGD: "Class C0"). In summary, the available evidence is currently insufficient to determine the role of this variant in disease. Therefore, it has been classified as a Variant of Uncertain Significance.

Sema4
Classification: Uncertain significance for Dyskeratosis congenita. Last evaluated: 2021-09-16. Review status: criteria provided, single submitter. Criteria: Sema4 Curation Guidelines. Collection method: curation. Allele origin: germline.
Comment: The CTC1 c.1646T>C (p.F549S) variant has not been reported in the literature to our knowledge. It was observed in 1/112026 chromosomes of the European (non-Finnish) subpopulation in the large and broad cohorts of the Genome Aggregation Database (PMID: 32461654), but has not been reported in ClinVar. Functional studies have not been performed, and in silico predictions of the variant's effect on protein function are inconclusive. The evidence is insufficient to meet ACMG/AMP criteria for classifying the variant as benign or pathogenic. Thus, the clinical significance of this variant is currently uncertain.